The following is an entry in ClinVar:

NM_000342.4(SLC4A1):c.2692G>T (p.Glu898Ter)

Gene: SLC4A1 (solute carrier family 4 member 1 (Diego blood group); minus strand). Cytogenetic location: 17q21.31.
Variant type: single nucleotide variant.
Coding change: c.2692G>T on transcript NM_000342.4 (MANE Select); coding-DNA position 2692, G replaced by T.
Protein change: p.Glu898Ter; replaces glutamic acid 898 with a stop codon.
Molecular consequence: nonsense.
Genome position (GRCh38, 1-based): chr17:44,250,502, C>A on the plus strand (G>T on the coding strand, the complement: SLC4A1 is on the minus strand). VCF-style: chr17-44250502-C-A. GRCh37 (hg19) VCF-style: chr17-42327870-C-A.
Other names: short protein forms E898*.
Identifiers: ClinVar variation 1339451 (VCV001339451.3), dbSNP rs2144594807, ClinGen allele CA399779026.

ClinVar aggregate classification (germline): Pathogenic (1 of 4 stars; one submission).

Conditions:
Autosomal dominant distal renal tubular acidosis (DRTA1). Also called: RTA, CLASSIC TYPE; RTA, DISTAL TYPE, AUTOSOMAL DOMINANT; RTA, GRADIENT TYPE; RENAL TUBULAR ACIDOSIS, DISTAL, 1; Renal Tubular Acidosis, Type I. Identifiers: Orphanet 93608, MedGen CN280572, MONDO:0008368, OMIM 179800.

Submission:

Laboratory of Cyto-molecular Genetics, Department of Anatomy, All India Institute of Medical Sciences (AIIMS), New Delhi
Classification: Pathogenic for Autosomal dominant distal renal tubular acidosis. Last evaluated: 2022-02-07. Review status: criteria provided, single submitter. Criteria: ACMG Guidelines, 2015. Collection method: clinical testing. Allele origin: unknown. Affected: yes. Observed: 1 variant allele.
Comment: p.(Glu898*); nonsense variant

Literature cited by the submitters: PubMed 35738466.